The following is an entry in ClinVar:

ClinVar aggregate classification (germline): Uncertain significance (1 of 4 stars; one submission).

Allele frequency attached by ClinVar (database versions not stated): gnomAD exomes below 0.00001.

Submission:

Women's Health and Genetics/Laboratory Corporation of America, LabCorp
Classification: Uncertain significance. Last evaluated: 2025-04-22. Review status: criteria provided, single submitter. Criteria: LabCorp Variant Classification Summary - May 2015. Collection method: clinical testing. Allele origin: germline.
Comment: Variant summary: RAG1 c.1213A>G (p.Arg405Gly) results in a non-conservative amino acid change located in the RAG nonamer-binding domain (IPR023336) of the encoded protein sequence. Five of five in-silico tools predict a damaging effect of the variant on protein function. The variant was absent in 250808 control chromosomes. The available data on variant occurrences in the general population are insufficient to allow any conclusion about variant significance. c.1213A>G has been observed in a compound heterozygous individual affected with Severe Combined Immunodeficiency (Cifaldi_2019). These data do not allow any conclusion about variant significance. To our knowledge, no experimental evidence demonstrating an impact on protein function has been reported. The following publications have been ascertained in the context of this evaluation (PMID: 39792639, 31031743, 34664192). ClinVar contains an entry for this variant (Variation ID: 624601). Based on the evidence outlined above, the variant was classified as uncertain significance.

Literature cited by the submitters: PubMed 34664192; PubMed 31031743; PubMed 39792639.

NM_000448.3(RAG1):c.1213A>G (p.Arg405Gly)

Gene: RAG1 (recombination activating 1; plus strand). Cytogenetic location: 11p12.
Variant type: single nucleotide variant.
Coding change: c.1213A>G on transcript NM_000448.3 (MANE Select); coding-DNA position 1213, A replaced by G.
Protein change: p.Arg405Gly; replaces arginine 405 with glycine.
Molecular consequence: missense variant.
Genome position (GRCh38, 1-based): chr11:36,574,517, A>G. VCF-style: chr11-36574517-A-G. GRCh37 (hg19) VCF-style: chr11-36596067-A-G.
Other names: c.1213A>G, p.Arg405Gly (NM_001377277.1, NM_001377278.1, NM_001377279.1 and 1 more transcripts); short protein forms R405G.
Identifiers: ClinVar variation 624601 (VCV000624601.3), dbSNP rs1564988958.